The following is an entry in ClinVar:

ClinVar aggregate classification (germline): Uncertain significance. Review status: criteria provided, multiple submitters, no conflicts (2 of 4 stars). 3 submissions from 3 submitters: Uncertain significance (3). Last evaluated 2026-03-05.

Conditions:
Inborn genetic diseases. Identifiers: MedGen C0950123, MeSH D030342.
Diffuse cerebral and cerebellar atrophy - intractable seizures - progressive microcephaly syndrome. Also called: Microcephaly, progressive, with seizures and cerebral and cerebellar atrophy. Identifiers: Orphanet 404437, MedGen C4014239, MONDO:0014335, OMIM 615760.

Allele frequency attached by ClinVar (database versions not stated): gnomAD exomes below 0.00001; TOPMed below 0.00001; gnomAD 0.00001.
gnomAD v4.1: 8 of 1,612,450 alleles (0.0005%); highest among the groups gnomAD compares: Non-Finnish European, 0.00059%; no homozygotes.

Submissions (3):

GeneDx
Classification: Uncertain significance. Last evaluated: 2026-03-05. Review status: criteria provided, single submitter. Criteria: GeneDx Variant Classification Process June 2021. Collection method: clinical testing. Allele origin: germline.
Comment: Not observed at significant frequency in large population cohorts (gnomAD); In silico analysis suggests that this missense variant does not alter protein structure/function; This variant is associated with the following publications: (PMID: 25471517, 40448856, 32042906)

Ambry Genetics
Classification: Uncertain significance for Inborn genetic diseases. Last evaluated: 2021-04-20. Review status: criteria provided, single submitter. Criteria: Ambry Variant Classification Scheme 2023. Collection method: clinical testing. Allele origin: germline.

Labcorp Genetics (formerly Invitae), Labcorp
Classification: Uncertain significance for Diffuse cerebral and cerebellar atrophy - intractable seizures - progressive microcephaly syndrome. Last evaluated: 2020-02-24. Review status: criteria provided, single submitter. Criteria: Invitae Variant Classification Sherloc (09022015). Collection method: clinical testing. Allele origin: germline.
Comment: In summary, the available evidence is currently insufficient to determine the role of this variant in disease. Therefore, it has been classified as a Variant of Uncertain Significance. Algorithms developed to predict the effect of missense changes on protein structure and function are either unavailable or do not agree on the potential impact of this missense change (SIFT: "Tolerated"; PolyPhen-2: "Possibly Damaging"; Align-GVGD: "Class C0"). This variant has not been reported in the literature in individuals with QARS-related conditions. This variant is not present in population databases (ExAC no frequency). This sequence change replaces alanine with threonine at codon 2 of the QARS protein (p.Ala2Thr). The alanine residue is moderately conserved and there is a small physicochemical difference between alanine and threonine.

NM_005051.3(QARS1):c.4G>A (p.Ala2Thr)

Gene: QARS1 (glutaminyl-tRNA synthetase 1; minus strand). Cytogenetic location: 3p21.31.
Variant type: single nucleotide variant.
Coding change: c.4G>A on transcript NM_005051.3 (MANE Select); coding-DNA position 4, G replaced by A.
Protein change: p.Ala2Thr; replaces alanine 2 with threonine.
Molecular consequence: missense variant. On other transcripts: non-coding transcript variant (1).
Genome position (GRCh38, 1-based): chr3:49,104,730, C>T on the plus strand (G>A on the coding strand, the complement: QARS1 is on the minus strand). VCF-style: chr3-49104730-C-T. GRCh37 (hg19) VCF-style: chr3-49142163-C-T.
Other names: c.4G>A (NM_005051.1); c.4G>A, p.Ala2Thr (NM_001272073.2); short protein forms A2T.
Identifiers: ClinVar variation 942323 (VCV000942323.7), dbSNP rs1375795727, ClinGen allele CA352724501.